The following is an entry in ClinVar:

ClinVar aggregate classification (germline): Benign. Review status: criteria provided, multiple submitters, no conflicts (2 of 4 stars). 8 submissions from 7 submitters: Benign (6). 2 of the submissions do not count toward it. Last evaluated 2026-02-04.

Conditions:
Gastric cancer. Also called: Malignant tumor of stomach; Stomach cancer. Identifiers: MedGen C0024623, MeSH D013274, MONDO:0001056, OMIM 613659, HP:0012126.
Triple-negative breast cancer. Identifiers: MedGen C3539878.
Hypouricemia, renal, 2. Also called: HYPOURICEMIA, RENAL, 2, AUTOSOMAL DOMINANT; HYPOURICEMIA, RENAL, 2, AUTOSOMAL RECESSIVE. Identifiers: MedGen C2677549, MONDO:0012793, OMIM 612076.

Allele frequency attached by ClinVar (database versions not stated): ESP Exome Variant Server 0.14939; gnomAD 0.16654 and 0.18100; TOPMed 0.17123; gnomAD exomes 0.21442 and 0.24634; ExAC 0.24594; 1000 Genomes Project 30x 0.28342; 1000 Genomes Project 0.29413.
gnomAD v4.1: 340,998 of 1,614,018 alleles (21%); highest among the groups gnomAD compares: East Asian, 69%; 43,797 homozygotes.

Submissions (8):

Labcorp Genetics (formerly Invitae), Labcorp
Classification: Benign. Last evaluated: 2026-02-04. Review status: criteria provided, single submitter. Criteria: Invitae Variant Classification Sherloc (09022015). Collection method: clinical testing. Allele origin: germline.

Blueprint Genetics
Classification: Benign. Last evaluated: 2024-11-26. Review status: criteria provided, single submitter. Criteria: ACMG Guidelines, 2015. Collection method: clinical testing. Allele origin: germline.

Mayo Clinic Laboratories, Mayo Clinic
Classification: Benign. Last evaluated: 2022-11-14. Review status: criteria provided, single submitter. Criteria: ACMG Guidelines, 2015. Collection method: clinical testing. Allele origin: germline. Observed: 56 variant alleles.
Comment: BA1

GeneDx
Classification: Benign. Last evaluated: 2018-11-12. Review status: criteria provided, single submitter. Criteria: GeneDx Variant Classification Process June 2021. Collection method: clinical testing. Allele origin: germline. Affected: yes.
Comment: This variant is associated with the following publications: (PMID: 19723617, 21658257)

Illumina Laboratory Services, Illumina
Classification: Benign for Hypouricemia, renal, 2. Last evaluated: 2018-03-06. Review status: criteria provided, single submitter. Criteria: ICSL Variant Classification Criteria 13 December 2019. Collection method: clinical testing. Allele origin: germline.
Comment: This variant was observed in the ICSL laboratory as part of a predisposition screen in an ostensibly healthy population. It had not been previously curated by ICSL or reported in the Human Gene Mutation Database (HGMD: prior to June 1st, 2018), and was therefore a candidate for classification through an automated scoring system. Utilizing variant allele frequency, disease prevalence and penetrance estimates, and inheritance mode, an automated score was calculated to assess if this variant is too frequent to cause the disease. Based on the score and internal cut-off values, a variant classified as benign is not then subjected to further curation. The score for this variant resulted in a classification of benign for this disease.

Breakthrough Genomics
Classification: Benign. Review status: criteria provided, single submitter. Criteria: ACMG Guidelines, 2015. Collection method: not provided. Allele origin: germline. Inheritance: Autosomal dominant inheritance. Affected: yes.

Hdge Lab, Department of Biotechnology, Mizoram University
Classification: association for Triple-negative breast cancer. Last evaluated: 2026-03-26. Review status: no assertion criteria provided. Collection method: case-control. Allele origin: germline. Affected: yes. Observed: 14 variant alleles. Not counted in ClinVar's aggregate classification.
Comment: Variant identified in a case-control study of TNBC. Allele frequencies were compared between cases and controls. Although an increased odds ratio was observed (OR=4.667, 95% CI=0.417 -52.121). This variant is classified as "association" based on preliminary case-control evidence.

Hdge Lab, Department of Biotechnology, Mizoram University
Classification: association for Gastric cancer. Last evaluated: 2026-03-26. Review status: no assertion criteria provided. Collection method: case-control. Allele origin: germline. Affected: yes. Observed: 51 variant alleles. Not counted in ClinVar's aggregate classification.
Comment: Variant identified in a case-control study of gastric cancer. Allele frequencies were compared between cases and controls. Although an increased odds ratio was observed (OR=1.109, 95% CI=0.842-1.223). This variant is classified as "association" based on preliminary case-control evidence.

NM_020041.3(SLC2A9):c.881G>A (p.Arg294His)

Gene: SLC2A9 (solute carrier family 2 member 9; minus strand). Cytogenetic location: 4p16.1.
Variant type: single nucleotide variant.
Coding change: c.881G>A on transcript NM_020041.3 (MANE Select); coding-DNA position 881, G replaced by A.
Protein change: p.Arg294His; replaces arginine 294 with histidine.
Molecular consequence: missense variant.
Genome position (GRCh38, 1-based): chr4:9,920,506, C>T on the plus strand (G>A on the coding strand, the complement: SLC2A9 is on the minus strand). VCF-style: chr4-9920506-C-T. GRCh37 (hg19) VCF-style: chr4-9922130-C-T.
Other names: c.794G>A, p.Arg265His (NM_001001290.2); short protein forms R265H, R294H.
Identifiers: ClinVar variation 350213 (VCV000350213.20), dbSNP rs3733591, ClinGen allele CA2857052.